The following is an entry in ClinVar:

ClinVar aggregate classification (germline): Conflicting classifications of pathogenicity. Review status: criteria provided, conflicting classifications (1 of 4 stars). 4 submissions from 4 submitters: Uncertain significance (1); Likely benign (3). Last evaluated 2026-03-01.

Conditions:
Meckel-Gruber syndrome. Also called: Dysencephalia splachnocystica; DYSENCEPHALIA SPLANCHNOCYSTICA; GRUBER SYNDROME. Identifiers: Orphanet 564, MedGen C0265215, MONDO:0018921.
Joubert syndrome. Also called: Familial aplasia of the vermis; JOUBERT-BOLTSHAUSER SYNDROME. Identifiers: Orphanet 475, MedGen C5979921, MONDO:0018772.
CC2D2A-related disorder. Also called: CC2D2A-related disorders; CC2D2A-related condition. Identifiers: MedGen CN239313.

Allele frequency attached by ClinVar (database versions not stated): TOPMed 0.00002; ExAC 0.00003.
gnomAD v4.1: 34 of 1,613,734 alleles (0.0021%); highest among the groups gnomAD compares: African/African-American, 0.0093%; no homozygotes.

Submissions (4):

CeGaT Center for Human Genetics Tuebingen
Classification: Likely benign. Last evaluated: 2026-03-01. Review status: criteria provided, single submitter. Criteria: CeGaT Center For Human Genetics Tuebingen Variant Classification Criteria Version 2. Collection method: clinical testing. Allele origin: germline. Affected: yes. Observed: 1 variant allele.
Comment: CC2D2A: BP4, BP7

Labcorp Genetics (formerly Invitae), Labcorp
Classification: Likely benign for Joubert syndrome; Meckel-Gruber syndrome. Last evaluated: 2025-11-28. Review status: criteria provided, single submitter. Criteria: Invitae Variant Classification Sherloc (09022015). Collection method: clinical testing. Allele origin: germline.

PreventionGenetics, part of Exact Sciences
Classification: Likely benign for CC2D2A-related condition. Last evaluated: 2024-12-12. Review status: criteria provided, single submitter. Criteria: ACMG Guidelines, 2015. Collection method: clinical testing. Allele origin: germline.
Comment: This variant is classified as likely benign based on ACMG/AMP sequence variant interpretation guidelines (Richards et al. 2015 PMID: 25741868, with internal and published modifications).

Eurofins Ntd Llc (ga)
Classification: Uncertain significance. Last evaluated: 2018-06-21. Review status: criteria provided, single submitter. Criteria: EGL ClinVar v180209 classification definitions. Collection method: clinical testing. Allele origin: germline. Observed: 1 variant allele, 1 heterozygote.

NM_001378615.1(CC2D2A):c.1392C>A (p.Gly464=)

Genes: CC2D2A (coiled-coil and C2 domain containing 2A; plus strand), FBXL5 (F-box and leucine rich repeat protein 5; minus strand). Cytogenetic location: 4p15.32.
Variant type: single nucleotide variant.
Coding change: c.1392C>A on transcript NM_001378615.1 (MANE Select); coding-DNA position 1392, C replaced by A.
Protein change: p.Gly464=; no amino-acid change (glycine 464 retained).
Molecular consequence: synonymous variant.
Genome position (GRCh38, 1-based): chr4:15,528,652, C>A. VCF-style: chr4-15528652-C-A. GRCh37 (hg19) VCF-style: chr4-15530275-C-A.
Other names: c.1392C>A, p.Gly464= (NM_001080522.2); c.1245C>A, p.Gly415= (NM_001378617.1).
Identifiers: ClinVar variation 597763 (VCV000597763.20), dbSNP rs755258233, ClinGen allele CA2863657.